The following is an entry in ClinVar:

ClinVar aggregate classification (germline): Uncertain significance. Review status: criteria provided, single submitter (1 of 4 stars). 2 submissions from 2 submitters: Uncertain significance (1). 1 of the submissions does not count toward it. Last evaluated 2022-03-17.

Conditions:
EXT2-related disorder. Also called: EXT2-related condition.
Multiple congenital exostosis (EXT). Also called: Hereditary multiple osteochondromas; Multiple osteochondromas; Hereditary multiple exostoses; Hereditary multiple exostosis; MULTIPLE CARTILAGINOUS EXOSTOSES; Multiple exostoses. Identifiers: Orphanet 321, MedGen C0015306, MONDO:0005508, HP:0002762.

Allele frequency attached by ClinVar (database versions not stated): gnomAD 0.00001; gnomAD exomes 0.00001; TOPMed 0.00001; ESP Exome Variant Server 0.00008.
gnomAD v4.1: 5 of 1,600,380 alleles (0.00031%); highest among the groups gnomAD compares: Non-Finnish European, 0.00043%; no homozygotes.

Submissions (2):

St. Jude Molecular Pathology, St. Jude Children's Research Hospital
Classification: Uncertain significance for Multiple congenital exostosis. Last evaluated: 2022-03-17. Review status: criteria provided, single submitter. Criteria: St. Jude Assertion Criteria 2020. Collection method: clinical testing. Allele origin: germline.
Comment: The EXT2 c.70-10T>A intronic change results from a T to A substitution at the -10 position of intron 1 of the EXT2 gene. Algorithms that predict the impact of sequence changes on splicing indicate that this change may result in loss of the native acceptor site at c.70 and gain of a new acceptor site at c.70-8 (PP3). RNA data also demonstrate the creation of a new acceptor site that may result in premature protein truncation (internal data). This variant has a maximum subpopulation frequency of 0.0018% in gnomAD v2.1.1. In summary, this variant meets criteria to be classified as of uncertain significance based on the ACMG/AMP criteria: PP3.

PreventionGenetics, part of Exact Sciences
Classification: Uncertain significance for EXT2-related condition. Last evaluated: 2024-08-21. Review status: no assertion criteria provided. Collection method: clinical testing. Allele origin: germline. Not counted in ClinVar's aggregate classification.
Comment: The EXT2 c.70-10T>A variant is predicted to interfere with splicing. This variant is predicted to create a cryptic splice site based on available splicing prediction programs (SpliceAI, Jaganathan et al. 2019. PubMed ID: 30661751), however, such computer prediction programs are imperfect. To our knowledge, this variant has not been reported in the literature. This variant is reported in 0.0018% of alleles in individuals of European (Non-Finnish) descent in gnomAD and is classified as a variant of uncertain significance in ClinVar. At this time, the clinical significance of this variant is uncertain due to the absence of conclusive functional and genetic evidence.

NM_207122.2(EXT2):c.-30-10T>A

Gene: EXT2 (exostosin glycosyltransferase 2; plus strand). Cytogenetic location: 11p11.2.
Variant type: single nucleotide variant.
Coding change: c.-30-10T>A on transcript NM_207122.2 (MANE Select); 10 bases into the intron before 30 bases upstream of the start codon, T replaced by A.
Molecular consequence: intron variant.
Genome position (GRCh38, 1-based): chr11:44,107,673, T>A. VCF-style: chr11-44107673-T-A. GRCh37 (hg19) VCF-style: chr11-44129223-T-A.
Other names: c.-30-10T>A (NM_001389630.1, NM_001178083.3, NM_001389628.1); c.70-10T>A (NM_000401.3).
Identifiers: ClinVar variation 1691544 (VCV001691544.5), dbSNP rs371744028, ClinGen allele CA221452539.